The following is an entry in ClinVar:

ClinVar aggregate classification (germline): Uncertain significance (1 of 4 stars; one submission).

Conditions:
PLXNA1-related disorder. Also called: PLXNA1-related condition.

gnomAD v4.1: 3 of 1,614,028 alleles (0.00019%); highest among the groups gnomAD compares: Admixed American, 0.0033%; no homozygotes.

Submission:

PreventionGenetics, part of Exact Sciences
Classification: Uncertain significance for PLXNA1-related condition. Last evaluated: 2026-04-27. Review status: criteria provided, single submitter. Criteria: ACMG Guidelines, 2015. Collection method: clinical testing. Allele origin: germline.
Comment: The PLXNA1 c.5286C>T variant is not predicted to result in an amino acid change (p.=). This variant is predicted to alter splicing based on available splicing prediction programs (SpliceAI, Jaganathan et al. 2019. PubMed ID: 30661751). However, the use of computer prediction programs is not equivalent to functional evidence. To our knowledge, this variant has not been reported in the literature. This variant is reported in 0.0058% of alleles in individuals of Latino descent in gnomAD. At this time, the clinical significance of this variant is uncertain due to the absence of conclusive functional and genetic evidence.

NM_032242.4(PLXNA1):c.5286C>T (p.Asp1762=)

Gene: PLXNA1 (plexin A1; plus strand). Cytogenetic location: 3q21.3.
Variant type: single nucleotide variant.
Coding change: c.5286C>T on transcript NM_032242.4 (MANE Select); coding-DNA position 5286, C replaced by T.
Protein change: p.Asp1762=; no amino-acid change (aspartic acid 1762 retained).
Molecular consequence: synonymous variant.
Genome position (GRCh38, 1-based): chr3:127,032,441, C>T. VCF-style: chr3-127032441-C-T. GRCh37 (hg19) VCF-style: chr3-126751284-C-T.
Identifiers: ClinVar variation 3354494 (VCV003354494.2).